The following is an entry in ClinVar:

ClinVar aggregate classification (germline): Uncertain significance (1 of 4 stars; one submission).

Conditions:
Inborn genetic diseases. Identifiers: MedGen C0950123, MeSH D030342.

Submission:

Ambry Genetics
Classification: Uncertain significance for Inborn genetic diseases. Last evaluated: 2025-06-24. Review status: criteria provided, single submitter. Criteria: Ambry Variant Classification Scheme 2023. Collection method: clinical testing. Allele origin: germline.
Comment: The p.S50F variant (also known as c.149C>T), located in coding exon 1 of the G6PC3 gene, results from a C to T substitution at nucleotide position 149. The serine at codon 50 is replaced by phenylalanine, an amino acid with highly dissimilar properties. This amino acid position is conserved. In addition, the in silico prediction for this alteration is inconclusive. Based on the available evidence, the clinical significance of this variant remains unclear.

NM_138387.4(G6PC3):c.149C>T (p.Ser50Phe)

Genes: G6PC3 (glucose-6-phosphatase catalytic subunit 3; plus strand), LOC130060959 (ATAC-STARR-seq lymphoblastoid active region 12250; plus strand). Cytogenetic location: 17q21.31.
Variant type: single nucleotide variant.
Coding change: c.149C>T on transcript NM_138387.4 (MANE Select); coding-DNA position 149, C replaced by T.
Protein change: p.Ser50Phe; replaces serine 50 with phenylalanine.
Molecular consequence: missense variant. On other transcripts: 5 prime UTR variant (3), intron variant (1).
Genome position (GRCh38, 1-based): chr17:44,071,114, C>T. VCF-style: chr17-44071114-C-T. GRCh37 (hg19) VCF-style: chr17-42148482-C-T.
Other names: c.149C>T, p.Ser50Phe (NM_001319945.2); c.-256C>T (NM_001384165.1); c.-391C>T (NM_001384166.1); c.-381C>T (NM_001384167.1); c.-312+400C>T (NM_001384168.1); short protein forms S50F.
Identifiers: ClinVar variation 4260972 (VCV004260972.1).